The following is an entry in ClinVar:

NM_001080449.3(DNA2):c.757A>G (p.Ile253Val)

Gene: DNA2 (DNA replication helicase/nuclease 2; minus strand). Cytogenetic location: 10q21.3.
Variant type: single nucleotide variant.
Coding change: c.757A>G on transcript NM_001080449.3 (MANE Select); coding-DNA position 757, A replaced by G.
Protein change: p.Ile253Val; replaces isoleucine 253 with valine.
Molecular consequence: missense variant. On other transcripts: non-coding transcript variant (1).
Genome position (GRCh38, 1-based): chr10:68,450,210, T>C on the plus strand (A>G on the coding strand, the complement: DNA2 is on the minus strand). VCF-style: chr10-68450210-T-C. GRCh37 (hg19) VCF-style: chr10-70209967-T-C.
Other names: short protein forms I253V.
Identifiers: ClinVar variation 4774150 (VCV004774150.1).
Genomic context (GRCh38, chr10:68,450,210, plus strand): 5'-TCAATCCAAACCTAGGGGACCAAATGCTTTCTTCAATATCCATTGGTTTCACGACTTCAA[T>C]GTTACATGTTGAATTATCCTTACTATTATCACTTGGCCTGAAAAAAAAAAAAGCACAAAA-3'
Protein context (NP_001073918.2, residues 243-263): DNSKDNSTCN[Ile253Val]EVVKPMDIEE

ClinVar aggregate classification (germline): Uncertain significance (1 of 4 stars; one submission).

gnomAD v4.1: 4 of 1,591,430 alleles (0.00025%); highest among the groups gnomAD compares: East Asian, 0.0045%; no homozygotes.

Submission:

Labcorp Genetics (formerly Invitae), Labcorp
Classification: Uncertain significance. Last evaluated: 2025-07-14. Review status: criteria provided, single submitter. Criteria: Invitae Variant Classification Sherloc (09022015). Collection method: clinical testing. Allele origin: germline.
Comment: This sequence change replaces isoleucine, which is neutral and non-polar, with valine, which is neutral and non-polar, at codon 253 of the DNA2 protein (p.Ile253Val). This variant is present in population databases (no rsID available, gnomAD 0.1%). This variant has not been reported in the literature in individuals affected with DNA2-related conditions. Invitae Evidence Modeling of protein sequence and biophysical properties (such as structural, functional, and spatial information, amino acid conservation, physicochemical variation, residue mobility, and thermodynamic stability) indicates that this missense variant is not expected to disrupt DNA2 protein function with a negative predictive value of 80%. In summary, the available evidence is currently insufficient to determine the role of this variant in disease. Therefore, it has been classified as a Variant of Uncertain Significance.